The following is an entry in ClinVar:

NM_000069.3(CACNA1S):c.481G>A (p.Val161Ile)

Gene: CACNA1S (calcium voltage-gated channel subunit alpha1 S; minus strand). Cytogenetic location: 1q32.1.
Variant type: single nucleotide variant.
Coding change: c.481G>A on transcript NM_000069.3 (MANE Select); coding-DNA position 481, G replaced by A.
Protein change: p.Val161Ile; replaces valine 161 with isoleucine.
Molecular consequence: missense variant.
Genome position (GRCh38, 1-based): chr1:201,092,032, C>T on the plus strand (G>A on the coding strand, the complement: CACNA1S is on the minus strand). VCF-style: chr1-201092032-C-T. GRCh37 (hg19) VCF-style: chr1-201061160-C-T.
Other names: short protein forms V161I.
Identifiers: ClinVar variation 384035 (VCV000384035.52), dbSNP rs138265497, ClinGen allele CA083605.

ClinVar aggregate classification (germline): Conflicting classifications of pathogenicity. Review status: criteria provided, conflicting classifications (1 of 4 stars). 4 submissions from 4 submitters: Uncertain significance (3); Likely benign (1). Last evaluated 2025-08-23.

Conditions:
Hypokalemic periodic paralysis, type 1. Also called: HypoPP; Hypokalemic Periodic Paralysis Type 1 (AD). Identifiers: Orphanet 681, MedGen C3714580, MONDO:0042979, OMIM 170400.
Malignant hyperthermia, susceptibility to, 5 (MHS5). Also called: CACNA1S-Related Malignant Hyperthermia Susceptibility. Identifiers: Orphanet 423, MedGen C1866077, MONDO:0011163, OMIM 601887.

Allele frequency attached by ClinVar (database versions not stated): gnomAD 0.00002; TOPMed 0.00003; gnomAD exomes 0.00004 and 0.00008; ExAC 0.00007; ESP Exome Variant Server 0.00023.
gnomAD v4.1: 126 of 1,614,024 alleles (0.0078%); highest among the groups gnomAD compares: Non-Finnish European, 0.0097%; no homozygotes.

Submissions (4):

Labcorp Genetics (formerly Invitae), Labcorp
Classification: Likely benign for Hypokalemic periodic paralysis, type 1; Malignant hyperthermia, susceptibility to, 5. Last evaluated: 2025-08-23. Review status: criteria provided, single submitter. Criteria: Invitae Variant Classification Sherloc (09022015). Collection method: clinical testing. Allele origin: germline.

Color Diagnostics, LLC DBA Color Health
Classification: Uncertain significance for Malignant hyperthermia, susceptibility to, 5. Last evaluated: 2024-02-22. Review status: criteria provided, single submitter. Criteria: ACMG Guidelines, 2015. Collection method: clinical testing. Allele origin: germline.
Comment: This missense variant replaces valine with isoleucine at codon 161 of the CACNA1S protein. Computational prediction suggests that this variant may not impact protein structure and function. To our knowledge, functional studies have not been reported for this variant. This variant has been reported in an individual affected with malignant hyperthermia susceptibility (PMID: 30864471). This variant has been identified in 10/282860 chromosomes in the general population by the Genome Aggregation Database (gnomAD). The available evidence is insufficient to determine the role of this variant in disease conclusively. Therefore, this variant is classified as a Variant of Uncertain Significance.

GeneDx
Classification: Uncertain significance. Last evaluated: 2023-07-26. Review status: criteria provided, single submitter. Criteria: GeneDx Variant Classification Process June 2021. Collection method: clinical testing. Allele origin: germline. Affected: yes.
Comment: In silico analysis supports that this missense variant does not alter protein structure/function; Reported as a variant of uncertain significance in one individual from a cohort of patients with suspected malignant hyperthermia (Hudig et al., 2019); This variant is associated with the following publications: (PMID: 30864471)

CeGaT Center for Human Genetics Tuebingen
Classification: Uncertain significance. Last evaluated: 2019-04-01. Review status: criteria provided, single submitter. Criteria: CeGaT Center For Human Genetics Tuebingen Variant Classification Criteria Version 2. Collection method: clinical testing. Allele origin: germline. Affected: yes. Observed: 1 variant allele.

Literature cited by the submitters: PubMed 30864471 (cited by Color Diagnostics, LLC DBA Color Health).